The following is an entry in ClinVar:

ClinVar aggregate classification (germline): Conflicting classifications of pathogenicity. Review status: criteria provided, conflicting classifications (1 of 4 stars). 5 submissions from 5 submitters: Uncertain significance (1); Likely benign (4). Last evaluated 2026-01-14.

Conditions:
Congenital muscular dystrophy due to integrin alpha-7 deficiency. Also called: MYOPATHY, CONGENITAL, DUE TO INTEGRIN ALPHA-7 DEFICIENCY; Congenital muscular dystrophy with integrin alpha-7 deficiency; Muscular dystrophy, congenital, due to ITGA7 deficiency. Identifiers: Orphanet 34520, MedGen C2750786, MONDO:0013177, OMIM 613204.

Allele frequency attached by ClinVar (database versions not stated): TOPMed 0.00060; gnomAD 0.00061; gnomAD exomes 0.00076 and 0.00082; 1000 Genomes Project 30x 0.00078; ExAC 0.00079; 1000 Genomes Project 0.00080; ESP Exome Variant Server 0.00085.
gnomAD v4.1: 1,319 of 1,614,236 alleles (0.082%); highest among the groups gnomAD compares: Middle Eastern, 0.4%; 3 homozygotes.

Submissions (5):

Labcorp Genetics (formerly Invitae), Labcorp
Classification: Likely benign for Congenital muscular dystrophy due to integrin alpha-7 deficiency. Last evaluated: 2026-01-14. Review status: criteria provided, single submitter. Criteria: Invitae Variant Classification Sherloc (09022015). Collection method: clinical testing. Allele origin: germline.

Blueprint Genetics
Classification: Likely benign. Last evaluated: 2024-11-22. Review status: criteria provided, single submitter. Criteria: ACMG Guidelines, 2015. Collection method: clinical testing. Allele origin: germline.

CeGaT Center for Human Genetics Tuebingen
Classification: Likely benign. Last evaluated: 2023-11-01. Review status: criteria provided, single submitter. Criteria: CeGaT Center For Human Genetics Tuebingen Variant Classification Criteria Version 2. Collection method: clinical testing. Allele origin: germline. Affected: yes. Observed: 1 variant allele.
Comment: ITGA7: BP4, BP7

GeneDx
Classification: Likely benign. Last evaluated: 2020-07-10. Review status: criteria provided, single submitter. Criteria: GeneDx Variant Classification Process June 2021. Collection method: clinical testing. Allele origin: germline. Affected: yes.

Eurofins Ntd Llc (ga)
Classification: Uncertain significance. Last evaluated: 2018-08-15. Review status: criteria provided, single submitter. Criteria: EGL ClinVar v180209 classification definitions. Collection method: clinical testing. Allele origin: germline. Observed: 3 variant alleles, 3 heterozygotes.

NM_002206.3(ITGA7):c.537G>A (p.Gly179=)

Gene: ITGA7 (integrin subunit alpha 7; minus strand). Cytogenetic location: 12q13.2.
Variant type: single nucleotide variant.
Coding change: c.537G>A on transcript NM_002206.3 (MANE Select); coding-DNA position 537, G replaced by A.
Protein change: p.Gly179=; no amino-acid change (glycine 179 retained).
Molecular consequence: synonymous variant. On other transcripts: 5 prime UTR variant (1), intron variant (1).
Genome position (GRCh38, 1-based): chr12:55,701,032, C>T on the plus strand (G>A on the coding strand, the complement: ITGA7 is on the minus strand). VCF-style: chr12-55701032-C-T. GRCh37 (hg19) VCF-style: chr12-56094816-C-T.
Other names: c.537G>A, p.Gly179= (NM_001144996.2, NM_001374465.1, NM_001410977.1 and 5 more transcripts); c.246G>A, p.Gly82= (NM_001144997.2); c.198G>A, p.Gly66= (NM_001367993.1, NM_001414035.1); c.-636G>A (NM_001367994.1); c.415-61G>A (NM_001414033.1).
Identifiers: ClinVar variation 287417 (VCV000287417.41), dbSNP rs145463677, ClinGen allele CA6616288.